The following is an entry in ClinVar:

ClinVar aggregate classification (germline): Pathogenic. Review status: criteria provided, multiple submitters, no conflicts (2 of 4 stars). 2 submissions from 2 submitters: Pathogenic (2). Last evaluated 2024-11-12.

Conditions:
VPS13A-related neurodegenerative disease. Also called: LEVINE-CRITCHLEY SYNDROME; ACANTHOCYTOSIS WITH NEUROLOGIC DISORDER; Choreoacanthocytosis; Chorea-acanthocytosis; Choreaacanthocytosis; VPS13A Disease. Identifiers: Orphanet 2388, MedGen C0393576, MONDO:0008695, OMIM 200150.

Submissions (2):

Myriad Genetics, Inc.
Classification: Pathogenic for VPS13A-related neurodegenerative disease. Last evaluated: 2024-11-12. Review status: criteria provided, single submitter. Criteria: Myriad Autosomal Dominant, Autosomal Recessive and X-Linked Classification Criteria (2023). Collection method: clinical testing. Allele origin: unknown.
Comment: NM_033305.2(VPS13A):c.2789dupT(L930Ffs*14) is expected to be pathogenic in the context of VPS13A disease. This variant is predicted to lead to an abnormal or absent protein product due to the creation of a premature termination codon in VPS13A, a gene where loss-of-function variants are known to be pathogenic. Please note: this variant was assessed in the context of healthy population screening.

Labcorp Genetics (formerly Invitae), Labcorp
Classification: Pathogenic. Last evaluated: 2023-06-19. Review status: criteria provided, single submitter. Criteria: Invitae Variant Classification Sherloc (09022015). Collection method: clinical testing. Allele origin: germline.
Comment: For these reasons, this variant has been classified as Pathogenic. This variant has not been reported in the literature in individuals affected with VPS13A-related conditions. This variant is not present in population databases (gnomAD no frequency). This sequence change creates a premature translational stop signal (p.Leu930Phefs*14) in the VPS13A gene. It is expected to result in an absent or disrupted protein product. Loss-of-function variants in VPS13A are known to be pathogenic (PMID: 12404112, 21598378).

Literature cited by the submitters: PubMed 12404112 (cited by Labcorp Genetics (formerly Invitae), Labcorp); PubMed 21598378 (cited by Labcorp Genetics (formerly Invitae), Labcorp).

NM_033305.3(VPS13A):c.2789dup (p.Leu930fs)

Gene: VPS13A (vacuolar protein sorting 13 homolog A; plus strand). Cytogenetic location: 9q21.2.
Variant type: Duplication.
Coding change: c.2789dup on transcript NM_033305.3 (MANE Select); coding-DNA position 2789, one base duplicated (T; older notation c.2789dupT).
Protein change: p.Leu930fs; shifts the reading frame from leucine 930.
Molecular consequence: frameshift variant.
Genome position (GRCh38, 1-based): chr9:77,276,186, T duplicated; the last of 5 consecutive T bases (chr9:77,276,182-77,276,186); duplicating any one gives the same sequence. VCF-style (leftmost placement, unchanged base first): chr9-77276181-C-CT. GRCh37 (hg19) VCF-style: chr9-79891097-C-CT.
Other names: c.2789dup, p.Leu930fs (NM_001018037.2, NM_001018038.3, NM_015186.4); short protein forms L930fs.
Identifiers: ClinVar variation 3002728 (VCV003002728.4), dbSNP rs2537816345, ClinGen allele CA2740095496.
Genomic context (GRCh38, chr9:77,276,181, plus strand): 5'-TCTTGTTTTAGGATTGGGTGCAGAAATTGAGATTAGAACATACGATTTGAAAGCAAATGC[C>CT]TTTTTGAAAGAGTTCTGCTTAAAATGCCCAGAATACTTGGGTAAGAATCTCTATTTTTTA-3'